The following is an entry in ClinVar:

NM_031935.3(HMCN1):c.8543G>A (p.Cys2848Tyr)

Gene: HMCN1 (hemicentin 1; plus strand). Cytogenetic location: 1q31.1.
Variant type: single nucleotide variant.
Coding change: c.8543G>A on transcript NM_031935.3 (MANE Select); coding-DNA position 8543, G replaced by A.
Protein change: p.Cys2848Tyr; replaces cysteine 2848 with tyrosine.
Molecular consequence: missense variant.
Genome position (GRCh38, 1-based): chr1:186,078,164, G>A. VCF-style: chr1-186078164-G-A. GRCh37 (hg19) VCF-style: chr1-186047296-G-A.
Other names: short protein forms C2848Y.
Identifiers: ClinVar variation 1420120 (VCV001420120.6), dbSNP rs2102367466, ClinGen allele CA343913682.

ClinVar aggregate classification (germline): Uncertain significance (1 of 4 stars; one submission).

Submission:

Labcorp Genetics (formerly Invitae), Labcorp
Classification: Uncertain significance. Last evaluated: 2022-07-06. Review status: criteria provided, single submitter. Criteria: Invitae Variant Classification Sherloc (09022015). Collection method: clinical testing. Allele origin: germline.
Comment: This variant has not been reported in the literature in individuals affected with HMCN1-related conditions. In summary, the available evidence is currently insufficient to determine the role of this variant in disease. Therefore, it has been classified as a Variant of Uncertain Significance. Algorithms developed to predict the effect of missense changes on protein structure and function (SIFT, PolyPhen-2, Align-GVGD) all suggest that this variant is likely to be disruptive. ClinVar contains an entry for this variant (Variation ID: 1420120). This variant is not present in population databases (gnomAD no frequency). This sequence change replaces cysteine, which is neutral and slightly polar, with tyrosine, which is neutral and polar, at codon 2848 of the HMCN1 protein (p.Cys2848Tyr).